The following is an entry in ClinVar:

NM_001127222.2(CACNA1A):c.1697T>G (p.Ile566Ser)

Gene: CACNA1A (calcium voltage-gated channel subunit alpha1 A; minus strand). Cytogenetic location: 19p13.13.
Variant type: single nucleotide variant.
Coding change: c.1697T>G on transcript NM_001127222.2 (MANE Select); coding-DNA position 1697, T replaced by G.
Protein change: p.Ile566Ser; replaces isoleucine 566 with serine.
Molecular consequence: missense variant.
Genome position (GRCh38, 1-based): chr19:13,308,500, A>C on the plus strand (T>G on the coding strand, the complement: CACNA1A is on the minus strand). VCF-style: chr19-13308500-A-C. GRCh37 (hg19) VCF-style: chr19-13419314-A-C.
Other names: c.1700T>G, p.Ile567Ser (NM_000068.4, NM_001127221.2, NM_001174080.2 and 1 more transcripts); short protein forms I566S, I567S.
Identifiers: ClinVar variation 2091077 (VCV002091077.4), dbSNP rs2057953869, ClinGen allele CA404345194.

ClinVar aggregate classification (germline): Uncertain significance (1 of 4 stars; one submission).

Conditions:
Episodic ataxia type 2 (EA2). Also called: ATAXIA, EPISODIC, WITH NYSTAGMUS; ATAXIA, FAMILIAL PAROXYSMAL; CEREBELLAR ATAXIA, PAROXYSMAL, ACETAZOLAMIDE-RESPONSIVE; CEREBELLOPATHY, HEREDITARY PAROXYSMAL; EPISODIC ATAXIA, NYSTAGMUS-ASSOCIATED; ACETAZOLAMIDE-RESPONSIVE HEREDITARY PAROXYSMAL CEREBELLAR ATAXIA. Identifiers: Orphanet 97, MedGen C1720416, MONDO:0007163, OMIM 108500.
Developmental and epileptic encephalopathy, 42 (DEE42A). Also called: Epileptic encephalopathy, early infantile, 42; DEVELOPMENTAL AND EPILEPTIC ENCEPHALOPATHY 42A; EPILEPTIC ENCEPHALOPATHY, EARLY INFANTILE, 42A. Identifiers: MedGen C4310716, MONDO:0014917, OMIM 617106.

Allele frequency attached by ClinVar (database versions not stated): gnomAD exomes below 0.00001; TOPMed below 0.00001.
gnomAD v4.1: 1 of 1,613,198 alleles (0.000062%); highest among the groups gnomAD compares: African/African-American, 0.0013%; no homozygotes.

Submission:

Labcorp Genetics (formerly Invitae), Labcorp
Classification: Uncertain significance for Developmental and epileptic encephalopathy, 42; Episodic ataxia type 2. Last evaluated: 2025-09-08. Review status: criteria provided, single submitter. Criteria: Invitae Variant Classification Sherloc (09022015). Collection method: clinical testing. Allele origin: germline.
Comment: This sequence change replaces isoleucine, which is neutral and non-polar, with serine, which is neutral and polar, at codon 567 of the CACNA1A protein (p.Ile567Ser). This variant is not present in population databases (gnomAD no frequency). This variant has not been reported in the literature in individuals affected with CACNA1A-related conditions. ClinVar contains an entry for this variant (Variation ID: 2091077). Invitae Evidence Modeling of protein sequence and biophysical properties (such as structural, functional, and spatial information, amino acid conservation, physicochemical variation, residue mobility, and thermodynamic stability) indicates that this missense variant is expected to disrupt CACNA1A protein function with a positive predictive value of 95%. In summary, the available evidence is currently insufficient to determine the role of this variant in disease. Therefore, it has been classified as a Variant of Uncertain Significance.